The following is an entry in ClinVar:

NM_000128.4(F11):c.1718G>A (p.Gly573Glu)

Genes: F11 (coagulation factor XI; plus strand), F11-AS1 (F11 antisense RNA 1; minus strand). Cytogenetic location: 4q35.2.
Variant type: single nucleotide variant.
Coding change: c.1718G>A on transcript NM_000128.4 (MANE Select); coding-DNA position 1718, G replaced by A.
Protein change: p.Gly573Glu; replaces glycine 573 with glutamic acid.
Molecular consequence: missense variant. On other transcripts: non-coding transcript variant (1).
Genome position (GRCh38, 1-based): chr4:186,288,454, G>A. VCF-style: chr4-186288454-G-A. GRCh37 (hg19) VCF-style: chr4-187209608-G-A.
Other names: short protein forms G573E.
Identifiers: ClinVar variation 553257 (VCV000553257.5), dbSNP rs754109115, ClinGen allele CA3164105.
Genomic context (GRCh38, chr4:186,288,454, plus strand): 5'-TGAAGATGGGAAGCGTCTGAGTTGATCTGTGCACCTTTTCTTGTCTCCCCTCGTTCTAGG[G>A]AGATTCGGGAGGCCCTCTGTCCTGCAAACACAATGAGGTCTGGCATCTGGTAGGCATCAC-3'
Protein context (NP_000119.1, residues 563-583): YREGGKDACK[Gly573Glu]DSGGPLSCKH

ClinVar aggregate classification (germline): Likely pathogenic. Review status: criteria provided, multiple submitters, no conflicts (2 of 4 stars). 4 submissions from 4 submitters: Likely pathogenic (3). 1 of the submissions does not count toward it. Last evaluated 2026-02-17.

Conditions:
Plasma factor XI deficiency.
Hereditary factor XI deficiency disease. Also called: Congenital factor XI deficiency; PLASMA THROMBOPLASTIN ANTECEDENT DEFICIENCY; PTA DEFICIENCY; ROSENTHAL SYNDROME. Identifiers: Orphanet 329, MedGen C0015523, MeSH D005173, MONDO:0012897, OMIM 612416.

Allele frequency attached by ClinVar (database versions not stated): gnomAD exomes below 0.00001 and 0.00001; gnomAD 0.00001; TOPMed 0.00001; ExAC 0.00002.
gnomAD v4.1: 4 of 1,613,970 alleles (0.00025%); highest among the groups gnomAD compares: Middle Eastern, 0.016%; no homozygotes.

Submissions (4):

Myriad Genetics, Inc.
Classification: Likely pathogenic for Hereditary factor XI deficiency disease. Last evaluated: 2026-02-17. Review status: criteria provided, single submitter. Criteria: Myriad Autosomal Dominant, Autosomal Recessive and X-Linked Classification Criteria (2023). Collection method: clinical testing. Allele origin: unknown.
Comment: NM_000128.3(F11):c.1718G>A(G573E) is a missense variant classified as likely pathogenic in the context of factor XI deficiency. G573E has been observed in cases with relevant disease (PMID: 12586617, 16835901). Relevant functional assessments of this variant are available in the literature (PMID: 15456490, 15090552). Internal structural analysis of the variant is supportive of pathogenicity. G573E has been observed in referenced population frequency databases. In summary, NM_000128.3(F11):c.1718G>A(G573E) is a missense variant that has both functional and internal structural support for pathogenicity and has been observed more frequently in cases with the relevant disease than in healthy populations. Please note: this variant was assessed in the context of healthy population screening.

Natera, Inc.
Classification: Likely pathogenic for Plasma factor XI deficiency. Last evaluated: 2026-01-07. Review status: criteria provided, single submitter. Criteria: Natera Variant Classification Schema (03/2026). Collection method: clinical testing. Allele origin: germline.
Comment: The c.1718G>A variant in F11 is a missense variant predicted to cause substitution of glycine to glutamic acid at amino acid 573. This variant is rare in the general population with a frequency below the threshold expected for the associated phenotype(s). This variant has been observed in one or more individuals affected with the associated recessive disease, as either homozygous or compound heterozygous with a second variant (PMID: 12871398). Functional studies show that this variant may disrupt protein function (PMID: 12871398). Computational prediction algorithms indicate this variant is likely to affect gene or protein function. Given the available evidence, this variant is classified as Likely Pathogenic.

Revvity Omics, Revvity
Classification: Likely pathogenic for Hereditary factor XI deficiency disease. Last evaluated: 2024-08-29. Review status: criteria provided, single submitter. Criteria: ACMG Guidelines, 2015. Collection method: clinical testing. Allele origin: germline.

Counsyl
Classification: Uncertain significance for Hereditary factor XI deficiency disease. Last evaluated: 2017-08-11. Review status: no assertion criteria provided. Collection method: clinical testing. Allele origin: unknown. Not counted in ClinVar's aggregate classification.

Literature cited by the submitters: PubMed 12586617 (cited by Myriad Genetics, Inc. and Counsyl); PubMed 15090552 (cited by Myriad Genetics, Inc. and Counsyl); PubMed 15456490 (cited by Myriad Genetics, Inc. and Counsyl); PubMed 16835901 (cited by Myriad Genetics, Inc. and Counsyl); PubMed 12871398 (cited by Natera, Inc.); PubMed 19652879 (cited by Counsyl).